The following is an entry in ClinVar:

ClinVar aggregate classification (germline): Likely benign (1 of 4 stars; one submission).

Submission:

GeneDx
Classification: Likely benign. Last evaluated: 2017-06-29. Review status: criteria provided, single submitter. Criteria: GeneDx Variant Classification (06012015). Collection method: clinical testing. Allele origin: germline. Affected: yes.
Comment: This variant is considered likely benign or benign based on one or more of the following criteria: it is a conservative change, it occurs at a poorly conserved position in the protein, it is predicted to be benign by multiple in silico algorithms, and/or has population frequency not consistent with disease.

NM_005334.3(HCFC1):c.5260+17G>C

Gene: HCFC1 (host cell factor C1; minus strand). Cytogenetic location: Xq28.
Variant type: single nucleotide variant.
Coding change: c.5260+17G>C on transcript NM_005334.3 (MANE Select); 17 bases into the intron after coding-DNA position 5260, G replaced by C.
Molecular consequence: intron variant.
Genome position (GRCh38, 1-based): chrX:153,951,824, C>G on the plus strand (G>C on the coding strand, the complement: HCFC1 is on the minus strand). VCF-style: chrX-153951824-C-G. GRCh37 (hg19) VCF-style: chrX-153217275-C-G.
Identifiers: ClinVar variation 510540 (VCV000510540.1), dbSNP rs201426831, ClinGen allele CA658799904.